The following is an entry in ClinVar:

ClinVar aggregate classification (germline): Uncertain significance (1 of 4 stars; one submission).

Conditions:
Myopathy, centronuclear, 2 (CNM2). Also called: MYOTUBULAR MYOPATHY, AUTOSOMAL RECESSIVE. Identifiers: Orphanet 169186, MedGen CN031787, MONDO:0009709, OMIM 255200.

Allele frequency attached by ClinVar (database versions not stated): ExAC 0.00001.
gnomAD v4.1: 4 of 1,614,166 alleles (0.00025%); highest among the groups gnomAD compares: South Asian, 0.0033%; no homozygotes.

Submission:

Labcorp Genetics (formerly Invitae), Labcorp
Classification: Uncertain significance for Myopathy, centronuclear, 2. Last evaluated: 2023-01-07. Review status: criteria provided, single submitter. Criteria: Invitae Variant Classification Sherloc (09022015). Collection method: clinical testing. Allele origin: germline.
Comment: In summary, the available evidence is currently insufficient to determine the role of this variant in disease. Therefore, it has been classified as a Variant of Uncertain Significance. Advanced modeling of protein sequence and biophysical properties (such as structural, functional, and spatial information, amino acid conservation, physicochemical variation, residue mobility, and thermodynamic stability) performed at Invitae indicates that this missense variant is not expected to disrupt BIN1 protein function. This variant has not been reported in the literature in individuals affected with BIN1-related conditions. This variant is present in population databases (rs759786484, gnomAD 0.003%). This sequence change replaces proline, which is neutral and non-polar, with serine, which is neutral and polar, at codon 555 of the BIN1 protein (p.Pro555Ser).

NM_139343.3(BIN1):c.1663C>T (p.Pro555Ser)

Gene: BIN1 (bridging integrator 1; minus strand). Cytogenetic location: 2q14.3.
Variant type: single nucleotide variant.
Coding change: c.1663C>T on transcript NM_139343.3 (MANE Select); coding-DNA position 1663, C replaced by T.
Protein change: p.Pro555Ser; replaces proline 555 with serine.
Molecular consequence: missense variant.
Genome position (GRCh38, 1-based): chr2:127,050,432, G>A on the plus strand (C>T on the coding strand, the complement: BIN1 is on the minus strand). VCF-style: chr2-127050432-G-A. GRCh37 (hg19) VCF-style: chr2-127808008-G-A.
Other names: c.1156C>T, p.Pro386Ser (NM_001320632.2); c.1294C>T, p.Pro432Ser (NM_001320633.2); c.1039C>T, p.Pro347Ser (NM_001320634.1); c.1423C>T, p.Pro475Ser (NM_001320640.2); c.1570C>T, p.Pro524Ser (NM_001320641.2); c.1582C>T, p.Pro528Ser (NM_001320642.1); c.1246C>T, p.Pro416Ser (NM_004305.4); c.1534C>T, p.Pro512Ser (NM_139344.3); and 7 more; short protein forms P347S, P401S, P444S, P468S, P524S, P416S, P432S, P437S.
Identifiers: ClinVar variation 2918342 (VCV002918342.3), dbSNP rs759786484, ClinGen allele CA1856959.